The following is an entry in ClinVar:

ClinVar aggregate classification (germline): Uncertain significance (1 of 4 stars; one submission).

Submission:

Labcorp Genetics (formerly Invitae), Labcorp
Classification: Uncertain significance. Last evaluated: 2021-12-23. Review status: criteria provided, single submitter. Criteria: Invitae Variant Classification Sherloc (09022015). Collection method: clinical testing. Allele origin: germline.
Comment: Algorithms developed to predict the effect of missense changes on protein structure and function are either unavailable or do not agree on the potential impact of this missense change (SIFT: "Not Available"; PolyPhen-2: "Benign"; Align-GVGD: "Not Available"). In summary, the available evidence is currently insufficient to determine the role of this variant in disease. Therefore, it has been classified as a Variant of Uncertain Significance. This variant has not been reported in the literature in individuals affected with MYO18B-related conditions. This variant is not present in population databases (gnomAD no frequency). This sequence change replaces proline, which is neutral and non-polar, with alanine, which is neutral and non-polar, at codon 2543 of the MYO18B protein (p.Pro2543Ala).

NM_032608.7(MYO18B):c.7627C>G (p.Pro2543Ala)

Gene: MYO18B (myosin XVIIIB; plus strand). Cytogenetic location: 22q12.1.
Variant type: single nucleotide variant.
Coding change: c.7627C>G on transcript NM_032608.7 (MANE Select); coding-DNA position 7627, C replaced by G.
Protein change: p.Pro2543Ala; replaces proline 2543 with alanine.
Molecular consequence: missense variant.
Genome position (GRCh38, 1-based): chr22:26,027,601, C>G. VCF-style: chr22-26027601-C-G. GRCh37 (hg19) VCF-style: chr22-26423567-C-G.
Other names: c.7630C>G, p.Pro2544Ala (NM_001318245.2); short protein forms P2543A, P2544A.
Identifiers: ClinVar variation 2055257 (VCV002055257.4), dbSNP rs1261151059, ClinGen allele CA411013125.